The following is an entry in ClinVar:

NM_018149.7(SMG8):c.2209G>A (p.Val737Ile)

Gene: SMG8 (SMG8 nonsense mediated mRNA decay factor; plus strand). Cytogenetic location: 17q22.
Variant type: single nucleotide variant.
Coding change: c.2209G>A on transcript NM_018149.7 (MANE Select); coding-DNA position 2209, G replaced by A.
Protein change: p.Val737Ile; replaces valine 737 with isoleucine.
Molecular consequence: missense variant.
Genome position (GRCh38, 1-based): chr17:59,213,032, G>A. VCF-style: chr17-59213032-G-A. GRCh37 (hg19) VCF-style: chr17-57290393-G-A.
Other names: short protein forms V737I.
Identifiers: ClinVar variation 3048743 (VCV003048743.2), dbSNP rs549130197, ClinGen allele CA8679738.

ClinVar aggregate classification (germline): Likely benign (0 of 4 stars; one submission).

Conditions:
SMG8-related disorder. Also called: SMG8-related condition.

Allele frequency attached by ClinVar (database versions not stated): TOPMed 0.00005; gnomAD 0.00008; 1000 Genomes Project 30x 0.00016; 1000 Genomes Project 0.00020; ExAC 0.00030.
gnomAD v4.1: 83 of 1,614,150 alleles (0.0051%); highest among the groups gnomAD compares: East Asian, 0.12%; no homozygotes.

Submission:

PreventionGenetics, part of Exact Sciences
Classification: Likely benign for SMG8-related condition. Last evaluated: 2021-07-29. Review status: no assertion criteria provided. Collection method: clinical testing. Allele origin: germline.
Comment: This variant is classified as likely benign based on ACMG/AMP sequence variant interpretation guidelines (Richards et al. 2015 PMID: 25741868, with internal and published modifications).